The following is an entry in ClinVar:

ClinVar aggregate classification (germline): Uncertain significance (0 of 4 stars; one submission).

Conditions:
NEPRO-related disorder. Also called: NEPRO-related condition.

Allele frequency attached by ClinVar (database versions not stated): gnomAD 0.00001; gnomAD exomes 0.00001; TOPMed 0.00001; ExAC 0.00002.
gnomAD v4.1: 20 of 1,612,534 alleles (0.0012%); highest among the groups gnomAD compares: Non-Finnish European, 0.0017%; no homozygotes.

Submission:

PreventionGenetics, part of Exact Sciences
Classification: Uncertain significance for NEPRO-related condition. Last evaluated: 2023-10-27. Review status: no assertion criteria provided. Collection method: clinical testing. Allele origin: germline.
Comment: The NEPRO c.852G>C variant is predicted to result in the amino acid substitution p.Lys284Asn. To our knowledge, this variant has not been reported in the literature. This variant is reported in 0.0026% of alleles in individuals of European (Non-Finnish) descent in gnomAD. At this time, the clinical significance of this variant is uncertain due to the absence of conclusive functional and genetic evidence.

NM_015412.4(RMP64):c.852G>C (p.Lys284Asn)

Gene: RMP64 (ribonuclease MRP subunit p64; minus strand). Cytogenetic location: 3q13.2.
Variant type: single nucleotide variant.
Coding change: c.852G>C on transcript NM_015412.4 (MANE Select); coding-DNA position 852, G replaced by C.
Protein change: p.Lys284Asn; replaces lysine 284 with asparagine.
Molecular consequence: missense variant. On other transcripts: non-coding transcript variant (1).
Genome position (GRCh38, 1-based): chr3:113,011,106, C>G on the plus strand (G>C on the coding strand, the complement: RMP64 is on the minus strand). VCF-style: chr3-113011106-C-G. GRCh37 (hg19) VCF-style: chr3-112729953-C-G.
Other names: c.642G>C, p.Lys214Asn (NM_001319109.2); c.351G>C, p.Lys117Asn (NM_001319110.2); c.243G>C, p.Lys81Asn (NM_001319111.2); c.519G>C, p.Lys173Asn (NM_001319112.2); c.444G>C, p.Lys148Asn (NM_001319114.2); c.561G>C, p.Lys187Asn (NM_001319115.2); short protein forms K117N, K148N, K173N, K187N, K214N, K284N, K81N.
Identifiers: ClinVar variation 3051365 (VCV003051365.2), dbSNP rs775970479, ClinGen allele CA2542065.